The following is an entry in ClinVar:

ClinVar aggregate classification (germline): Uncertain significance (1 of 4 stars; one submission).

Conditions:
Inborn genetic diseases. Identifiers: MedGen C0950123, MeSH D030342.

Submission:

Ambry Genetics
Classification: Uncertain significance for Inborn genetic diseases. Last evaluated: 2024-12-17. Review status: criteria provided, single submitter. Criteria: Ambry Variant Classification Scheme 2023. Collection method: clinical testing. Allele origin: germline.
Comment: The p.G967S variant (also known as c.2899G>A), located in coding exon 13 of the ASXL1 gene, results from a G to A substitution at nucleotide position 2899. The glycine at codon 967 is replaced by serine, an amino acid with similar properties. This amino acid position is conserved. In addition, this alteration is predicted to be tolerated by in silico analysis. Based on the available evidence, the clinical significance of this variant remains unclear.

NM_015338.6(ASXL1):c.2899G>A (p.Gly967Ser)

Gene: ASXL1 (ASXL transcriptional regulator 1; plus strand). Cytogenetic location: 20q11.21.
Variant type: single nucleotide variant.
Coding change: c.2899G>A on transcript NM_015338.6 (MANE Select); coding-DNA position 2899, G replaced by A.
Protein change: p.Gly967Ser; replaces glycine 967 with serine.
Molecular consequence: missense variant.
Genome position (GRCh38, 1-based): chr20:32,435,611, G>A. VCF-style: chr20-32435611-G-A. GRCh37 (hg19) VCF-style: chr20-31023414-G-A.
Other names: c.2716G>A, p.Gly906Ser (NM_001363734.1); short protein forms G967S, G906S.
Identifiers: ClinVar variation 3791457 (VCV003791457.1).